The following is an entry in ClinVar:

NM_024422.6(DSC2):c.318G>T (p.Lys106Asn)

Gene: DSC2 (desmocollin 2; minus strand). Cytogenetic location: 18q12.1.
Variant type: single nucleotide variant.
Coding change: c.318G>T on transcript NM_024422.6 (MANE Select); coding-DNA position 318, G replaced by T.
Protein change: p.Lys106Asn; replaces lysine 106 with asparagine.
Molecular consequence: missense variant.
Genome position (GRCh38, 1-based): chr18:31,092,137, C>A on the plus strand (G>T on the coding strand, the complement: DSC2 is on the minus strand). VCF-style: chr18-31092137-C-A. GRCh37 (hg19) VCF-style: chr18-28672100-C-A.
Other names: c.-112G>T (NM_001406506.1, NM_001406507.1); c.318G>T, p.Lys106Asn (NM_004949.5); short protein forms K106N.
Identifiers: ClinVar variation 2004205 (VCV002004205.4), dbSNP rs769350996, ClinGen allele CA037659.

ClinVar aggregate classification (germline): Uncertain significance (1 of 4 stars; one submission).

Conditions:
Arrhythmogenic right ventricular dysplasia 11. Also called: Arrhythmogenic Right Ventricular Dysplasia/Cardiomyopathy11; ARRHYTHMOGENIC RIGHT VENTRICULAR DYSPLASIA, FAMILIAL, 11; Arrhythmogenic right ventricular dysplasia 11 with mild palmoplantar keratoderma and woolly hair. Identifiers: MedGen C1864850, MONDO:0012506, OMIM 610476.

Allele frequency attached by ClinVar (database versions not stated): gnomAD exomes below 0.00001; ExAC 0.00001.
gnomAD v4.1: 1 of 1,613,070 alleles (0.000062%); highest among the groups gnomAD compares: South Asian, 0.0011%; no homozygotes.

Submission:

Labcorp Genetics (formerly Invitae), Labcorp
Classification: Uncertain significance for Arrhythmogenic right ventricular dysplasia 11. Last evaluated: 2023-10-03. Review status: criteria provided, single submitter. Criteria: Invitae Variant Classification Sherloc (09022015). Collection method: clinical testing. Allele origin: germline.
Comment: This sequence change replaces lysine, which is basic and polar, with asparagine, which is neutral and polar, at codon 106 of the DSC2 protein (p.Lys106Asn). This variant is present in population databases (rs769350996, gnomAD 0.003%). This variant has not been reported in the literature in individuals affected with DSC2-related conditions. ClinVar contains an entry for this variant (Variation ID: 2004205). Advanced modeling of protein sequence and biophysical properties (such as structural, functional, and spatial information, amino acid conservation, physicochemical variation, residue mobility, and thermodynamic stability) performed at Invitae indicates that this missense variant is not expected to disrupt DSC2 protein function. In summary, the available evidence is currently insufficient to determine the role of this variant in disease. Therefore, it has been classified as a Variant of Uncertain Significance.